The following is an entry in ClinVar:

ClinVar aggregate classification (germline): Uncertain significance. Review status: criteria provided, multiple submitters, no conflicts (2 of 4 stars). 2 submissions from 2 submitters: Uncertain significance (2). Last evaluated 2023-09-18.

Conditions:
Familial cancer of breast. Also called: BREAST CANCER, FAMILIAL; hereditary breast carcinoma; Hereditary breast cancer. Identifiers: Orphanet 227535, MedGen C0346153, MONDO:0016419, OMIM 114480. Disease mechanism: loss of function.

Submissions (2):

Labcorp Genetics (formerly Invitae), Labcorp
Classification: Uncertain significance for Familial cancer of breast. Last evaluated: 2023-09-18. Review status: criteria provided, single submitter. Criteria: Invitae Variant Classification Sherloc (09022015). Collection method: clinical testing. Allele origin: germline.
Comment: In summary, the available evidence is currently insufficient to determine the role of this variant in disease. Therefore, it has been classified as a Variant of Uncertain Significance. An algorithm developed to predict the effect of missense changes on protein structure and function (PolyPhen-2) suggests that this variant is likely to be disruptive. ClinVar contains an entry for this variant (Variation ID: 234599). This variant has not been reported in the literature in individuals affected with CHEK2-related conditions. This variant is not present in population databases (gnomAD no frequency). This sequence change replaces glutamine, which is neutral and polar, with arginine, which is basic and polar, at codon 69 of the CHEK2 protein (p.Gln69Arg).

GeneDx
Classification: Uncertain significance. Last evaluated: 2015-11-05. Review status: criteria provided, single submitter. Criteria: GeneDx Variant Classification (06012015). Collection method: clinical testing. Allele origin: germline. Affected: yes.
Comment: This variant is denoted CHEK2 c.206A>G at the cDNA level, p.Gln69Arg (Q69R) at the protein level, and results in the change of a Glutamine to an Arginine (CAG>CGG). This variant has not, to our knowledge, been published in the literature as pathogenic or benign. CHEK2 Gln69Arg was not observed in approximately 6,500 individuals of European and African American ancestry in the NHLBI Exome Sequencing Project, suggesting it is not a common benign variant in these populations. Since Glutamine and Arginine differ in some properties, this is considered a semi-conservative amino acid substitution. CHEK2 Gln69Arg occurs at a position that is conserved across species and is located in the SQ/TQ domain (Desrichard 2011, Roeb 2012). In silico analyses predict that this variant is probably damaging to protein structure and function. Based on currently available evidence, it is unclear whether CHEK2 Gln69Arg is pathogenic or benign. We consider it to be a variant of uncertain significance.

NM_007194.4(CHEK2):c.206A>G (p.Gln69Arg)

Gene: CHEK2 (checkpoint kinase 2; minus strand). Cytogenetic location: 22q12.1.
Variant type: single nucleotide variant.
Coding change: c.206A>G on transcript NM_007194.4 (MANE Select); coding-DNA position 206, A replaced by G.
Protein change: p.Gln69Arg; replaces glutamine 69 with arginine.
Molecular consequence: missense variant.
Genome position (GRCh38, 1-based): chr22:28,734,516, T>C on the plus strand (A>G on the coding strand, the complement: CHEK2 is on the minus strand). VCF-style: chr22-28734516-T-C. GRCh37 (hg19) VCF-style: chr22-29130504-T-C.
Other names: c.206A>G, p.Gln69Arg (NM_001005735.3, NM_001349956.3, NM_145862.3); c.-572A>G (NM_001257387.3); short protein forms Q69R.
Identifiers: ClinVar variation 234599 (VCV000234599.12), dbSNP rs876661109, ClinGen allele CA10577640.